The following is an entry in ClinVar:

Conditions:
Long QT syndrome 5 (LQT5). Identifiers: Orphanet 101016, Orphanet 768, MedGen C1867904, MONDO:0013372, OMIM 613695.

Submission:

Roden Lab, Vanderbilt University Medical Center
No classification provided (evidence only). Condition: Long QT syndrome 5. Review status: no classification provided. Collection method: in vitro. Allele origin: not applicable. Functional consequence: Effect on ion channel function.
ClinVar note: "not provided" was previously submitted as the classification for the variant. However, the classification appeared to be based only on an observation of functional data so it was converted to no classification on 2025-07-30.

NM_000219.6(KCNE1):c.194A>C (p.Tyr65Ser)

Gene: KCNE1 (potassium voltage-gated channel subfamily E regulatory subunit 1; minus strand). Cytogenetic location: 21q22.12.
Variant type: single nucleotide variant.
Coding change: c.194A>C on transcript NM_000219.6 (MANE Select); coding-DNA position 194, A replaced by C.
Protein change: p.Tyr65Ser; replaces tyrosine 65 with serine.
Molecular consequence: missense variant.
Genome position (GRCh38, 1-based): chr21:34,449,441, T>G on the plus strand (A>C on the coding strand, the complement: KCNE1 is on the minus strand). VCF-style: chr21-34449441-T-G. GRCh37 (hg19) VCF-style: chr21-35821739-T-G.
Other names: c.194A>C, p.Tyr65Ser (NM_001127668.4, NM_001127669.4, NM_001127670.4 and 4 more transcripts); short protein forms Y65S.
Identifiers: ClinVar variation 3374296 (VCV003374296.2).
Genomic context (GRCh38, chr21:34,449,441, plus strand): 5'-TCGGACTCGATGTAGACGTTGAATGGGTCGTTCGAGTGCTCCAGCTTCTTGGAGCGGATG[T>G]AGCTCAGCATGATGCCCAGGGTGAAGAAGCCGAAGAATCCCAGTACCATGAGGACGTAGA-3'
Protein context (NP_000210.2, residues 55-75): GFFTLGIMLS[Tyr65Ser]IRSKKLEHSN